The following is an entry in ClinVar:

NM_003742.4(ABCB11):c.1638G>A (p.Gln546=)

Gene: ABCB11 (ATP binding cassette subfamily B member 11; minus strand). Cytogenetic location: 2q31.1.
Variant type: single nucleotide variant.
Coding change: c.1638G>A on transcript NM_003742.4 (MANE Select); coding-DNA position 1638, G replaced by A.
Protein change: p.Gln546=; no amino-acid change (glutamine 546 retained).
Molecular consequence: synonymous variant.
Genome position (GRCh38, 1-based): chr2:168,971,847, C>T on the plus strand (G>A on the coding strand, the complement: ABCB11 is on the minus strand). VCF-style: chr2-168971847-C-T. GRCh37 (hg19) VCF-style: chr2-169828357-C-T.
Other names: NM_003742.4(ABCB11):c.1638G>A; p.Gln546=; c.1638G>A, p.Gln546= (LRG_1199t1); c.1638G>A (NM_003742.2).
Identifiers: ClinVar variation 597927 (VCV000597927.7), dbSNP rs1558896713, ClinGen allele CA429914478.
Genomic context (GRCh38, chr2:168,971,847, plus strand): 5'-GCAACTTTTTTTCCTTCTATGACCTCTTAGTTTCTCCCAGGAATGTATGGCTAGGGGTAC[C>T]TGTGGCAGGTCCATGATGAAGTTGTAGGCATTGGCCTCCTTGGCAGCTTGGACTATGTCT-3'
Protein context (NP_003733.2, residues 536-556): NAYNFIMDLP[Gln546=]QFDTLVGEGG

ClinVar aggregate classification (germline): Uncertain significance. Review status: criteria provided, multiple submitters, no conflicts (2 of 4 stars). 4 submissions from 4 submitters: Uncertain significance (4). Last evaluated 2026-04-14.

Conditions:
Progressive familial intrahepatic cholestasis type 2. Identifiers: Orphanet 79304, MedGen C3489789, MONDO:0011156, OMIM 601847.
ABCB11-related disorder. Also called: ABCB11-related condition.
Familial intrahepatic cholestasis. Identifiers: Orphanet 284385, MedGen CN296401, MONDO:0017290.

Allele frequency attached by ClinVar (database versions not stated): gnomAD exomes below 0.00001.
gnomAD v4.1: 1 of 1,612,362 alleles (0.000062%); highest among the groups gnomAD compares: Admixed American, 0.0017%; no homozygotes.

Submissions (4):

Genomenon, Inc
Classification: Uncertain significance for Familial intrahepatic cholestasis. Last evaluated: 2026-04-14. Review status: criteria provided, single submitter. Criteria: Genomenon Sequence Variant Interpretation Standards - Updated. Collection method: curation. Allele origin: germline. Affected: yes.
Comment: ABCB11 c.1638G>A is a synonymous variant that retains Glutamine at residue 546. This variant has been observed in at least one proband with an ABCB11-related disorder (PMID:32808743). It has been observed in trans with a pathogenic or likely pathogenic variant (PMID:32808743). It is absent or not present at a significant frequency in gnomAD. In silico models predict that this variant is possibly or probably damaging. In conclusion, we classify ABCB11 p.Gln546= (c.1638G>A) as a variant of uncertain significance.

PreventionGenetics, part of Exact Sciences
Classification: Uncertain significance for ABCB11-related condition. Last evaluated: 2025-04-25. Review status: criteria provided, single submitter. Criteria: ACMG Guidelines, 2015. Collection method: clinical testing. Allele origin: germline.
Comment: The ABCB11 c.1638G>A variant is not predicted to result in an amino acid change (p.=). This variant was reported in the compound heterozygous state in a patient with progressive familial intrahepatic cholestasis type 2 (Li et al. 2020. PubMed ID: 32808743). This variant has not been reported in a large population database (gnomAD), indicating this variant is rare. Although we suspect that this variant may be pathogenic, at this time, the clinical significance of this variant is uncertain due to the absence of conclusive functional and genetic evidence.

Broad Center for Mendelian Genomics, Broad Institute of MIT and Harvard
Classification: Uncertain significance for Progressive familial intrahepatic cholestasis type 2. Last evaluated: 2025-01-27. Review status: criteria provided, single submitter. Criteria: ACMG Guidelines, 2015. Collection method: curation. Allele origin: germline. Inheritance: Autosomal recessive inheritance.
Comment: The p.Gln546= variant in ABCB11 has been reported, in the compound heterozygous state, in 1 individual with BSEP deficiency (PMID: 21490445; Variation ID: 973517), and has been identified in 0.002% (1/59884) of Admixed American chromosomes by the Genome Aggregation Database (gnomAD; dbSNP rs1558896713). Although this variant has been seen in the general population in a heterozygous state, its frequency is low enough to be consistent with a recessive carrier frequency. This variant has also been reported in ClinVar (Variation ID: 597927) and has been interpreted as a variant of uncertain significance by Eurofins Ntd Llc. Computational prediction tools and conservation analyses suggest that this variant may impact the protein, though this information is not predictive enough to determine pathogenicity. In summary, the clinical significance of the p.Gln546= variant is uncertain. ACMG/AMP Criteria applied: PM3, PP3, PM2_supporting (Richards 2015).

Eurofins Ntd Llc (ga)
Classification: Uncertain significance. Last evaluated: 2018-07-09. Review status: criteria provided, single submitter. Criteria: EGL ClinVar v180209 classification definitions. Collection method: clinical testing. Allele origin: germline. Observed: 1 variant allele, 1 heterozygote.

Literature cited by the submitters: PubMed 32808743 (cited by Genomenon, Inc).